The following is an entry in ClinVar:

ClinVar aggregate classification (germline): Uncertain significance (1 of 4 stars; one submission).

Allele frequency attached by ClinVar (database versions not stated): gnomAD exomes below 0.00001; gnomAD 0.00001.
gnomAD v4.1: 5 of 1,613,920 alleles (0.00031%); highest among the groups gnomAD compares: East Asian, 0.0067%; no homozygotes.

Submission:

Labcorp Genetics (formerly Invitae), Labcorp
Classification: Uncertain significance. Last evaluated: 2021-12-03. Review status: criteria provided, single submitter. Criteria: Invitae Variant Classification Sherloc (09022015). Collection method: clinical testing. Allele origin: germline.
Comment: In summary, the available evidence is currently insufficient to determine the role of this variant in disease. Therefore, it has been classified as a Variant of Uncertain Significance. Algorithms developed to predict the effect of missense changes on protein structure and function are either unavailable or do not agree on the potential impact of this missense change (SIFT: "Tolerated"; PolyPhen-2: "Possibly Damaging"; Align-GVGD: "Class C0"). This variant has not been reported in the literature in individuals affected with TBCE-related conditions. This variant is present in population databases (no rsID available, gnomAD 0.01%). This sequence change replaces serine, which is neutral and polar, with phenylalanine, which is neutral and non-polar, at codon 285 of the TBCE protein (p.Ser285Phe).

NM_003193.5(TBCE):c.854C>T (p.Ser285Phe)

Gene: TBCE (tubulin folding cofactor E; plus strand). Cytogenetic location: 1q42.3.
Variant type: single nucleotide variant.
Coding change: c.854C>T on transcript NM_003193.5 (MANE Select); coding-DNA position 854, C replaced by T.
Protein change: p.Ser285Phe; replaces serine 285 with phenylalanine.
Molecular consequence: missense variant.
Genome position (GRCh38, 1-based): chr1:235,436,406, C>T. VCF-style: chr1-235436406-C-T. GRCh37 (hg19) VCF-style: chr1-235599721-C-T.
Other names: c.854C>T, p.Ser285Phe (NM_001079515.3); c.1007C>T, p.Ser336Phe (NM_001287801.2); c.515C>T, p.Ser172Phe (NM_001287802.2); short protein forms S336F, S172F, S285F.
Identifiers: ClinVar variation 1948363 (VCV001948363.5), dbSNP rs1323987506, ClinGen allele CA344939648.